The following is an entry in ClinVar:

NM_006947.4(SRP72):c.1127A>T (p.Lys376Met)

Gene: SRP72 (signal recognition particle 72; plus strand). Cytogenetic location: 4q12.
Variant type: single nucleotide variant.
Coding change: c.1127A>T on transcript NM_006947.4 (MANE Select); coding-DNA position 1127, A replaced by T.
Protein change: p.Lys376Met; replaces lysine 376 with methionine.
Molecular consequence: missense variant. On other transcripts: non-coding transcript variant (1).
Genome position (GRCh38, 1-based): chr4:56,486,365, A>T. VCF-style: chr4-56486365-A-T. GRCh37 (hg19) VCF-style: chr4-57352531-A-T.
Other names: c.944A>T, p.Lys315Met (NM_001267722.2); short protein forms K315M, K376M.
Identifiers: ClinVar variation 3372687 (VCV003372687.1).

ClinVar aggregate classification (germline): Uncertain significance (1 of 4 stars; one submission).

gnomAD v4.1: 2 of 1,605,808 alleles (0.00012%); highest among the groups gnomAD compares: Admixed American, 0.0017%; no homozygotes.

Submission:

GeneDx
Classification: Uncertain significance. Last evaluated: 2024-04-16. Review status: criteria provided, single submitter. Criteria: GeneDx Variant Classification Process June 2021. Collection method: clinical testing. Allele origin: germline. Affected: yes.
Comment: Not observed at significant frequency in large population cohorts (gnomAD); In silico analysis supports that this missense variant has a deleterious effect on protein structure/function; Has not been previously published as pathogenic or benign to our knowledge